The following is an entry in ClinVar:

ClinVar aggregate classification (germline): Likely benign. Review status: criteria provided, multiple submitters, no conflicts (2 of 4 stars). 2 submissions from 2 submitters: Likely benign (2). Last evaluated 2025-01-01.

Conditions:
Cardiovascular phenotype. Identifiers: MedGen CN230736.

Allele frequency attached by ClinVar (database versions not stated): gnomAD exomes 0.00003; TOPMed 0.00003; gnomAD 0.00004.
gnomAD v4.1: 46 of 1,604,380 alleles (0.0029%); highest among the groups gnomAD compares: African/African-American, 0.004%; no homozygotes.

Submissions (2):

CeGaT Center for Human Genetics Tuebingen
Classification: Likely benign. Last evaluated: 2025-01-01. Review status: criteria provided, single submitter. Criteria: CeGaT Center For Human Genetics Tuebingen Variant Classification Criteria Version 2. Collection method: clinical testing. Allele origin: germline. Affected: yes. Observed: 1 variant allele.
Comment: TNXB: BP4, BP7

Ambry Genetics
Classification: Likely benign for Cardiovascular phenotype. Last evaluated: 2021-03-10. Review status: criteria provided, single submitter. Criteria: Ambry Variant Classification Scheme 2023. Collection method: clinical testing. Allele origin: germline.

NM_001365276.2(TNXB):c.5589C>T (p.Ala1863=)

Gene: TNXB (tenascin XB; minus strand). Cytogenetic location: 6p21.33.
Variant type: single nucleotide variant.
Coding change: c.5589C>T on transcript NM_001365276.2 (MANE Select); coding-DNA position 5589, C replaced by T.
Protein change: p.Ala1863=; no amino-acid change (alanine 1863 retained).
Molecular consequence: synonymous variant.
Genome position (GRCh38, 1-based): chr6:32,069,135, G>A on the plus strand (C>T on the coding strand, the complement: TNXB is on the minus strand). VCF-style: chr6-32069135-G-A. GRCh37 (hg19) VCF-style: chr6-32036912-G-A.
Other names: c.5589C>T, p.Ala1863= (NM_019105.8).
Identifiers: ClinVar variation 1748459 (VCV001748459.15), dbSNP rs927961983, ClinGen allele CA136887426.